The following is an entry in ClinVar:

ClinVar aggregate classification (germline): Conflicting classifications of pathogenicity. Review status: criteria provided, conflicting classifications (1 of 4 stars). 6 submissions from 6 submitters: Uncertain significance (5); Likely benign (1). Last evaluated 2025-07-17.

Conditions:
Galloway-Mowat syndrome 1 (GAMOS1). Identifiers: Orphanet 2065, Orphanet 83472, MedGen C4551772, MONDO:0033005, OMIM 251300.
Inborn genetic diseases. Identifiers: MedGen C0950123, MeSH D030342.

Allele frequency attached by ClinVar (database versions not stated): ESP Exome Variant Server 0.00040; gnomAD exomes 0.00022; TOPMed 0.00022; gnomAD 0.00025 and 0.00024; ExAC 0.00035.
gnomAD v4.1: 628 of 1,068,788 alleles (0.059%); highest among the groups gnomAD compares: Non-Finnish European, 0.074%; 1 homozygote.

Submissions (6):

GeneDx
Classification: Uncertain significance. Last evaluated: 2025-07-17. Review status: criteria provided, single submitter. Criteria: GeneDx Variant Classification Process June 2021. Collection method: clinical testing. Allele origin: germline. Affected: yes.
Comment: In silico analysis suggests that this missense variant does not alter protein structure/function; Has not been previously published as pathogenic or benign to our knowledge

Fulgent Genetics
Classification: Likely benign for Galloway-Mowat syndrome 1. Last evaluated: 2024-05-15. Review status: criteria provided, single submitter. Criteria: ACMG Guidelines, 2015. Collection method: clinical testing. Allele origin: germline.

Clinical Genomics Laboratory, Stanford Medicine
Classification: Uncertain significance for Galloway-Mowat syndrome 1. Last evaluated: 2023-09-28. Review status: criteria provided, single submitter. Criteria: ACMG Guidelines, 2015. Collection method: clinical testing. Allele origin: germline. Observed: 1 variant allele, 1 heterozygote.

Labcorp Genetics (formerly Invitae), Labcorp
Classification: Uncertain significance. Last evaluated: 2022-08-20. Review status: criteria provided, single submitter. Criteria: Invitae Variant Classification Sherloc (09022015). Collection method: clinical testing. Allele origin: germline.
Comment: This sequence change replaces arginine, which is basic and polar, with tryptophan, which is neutral and slightly polar, at codon 318 of the WDR73 protein (p.Arg318Trp). This variant is present in population databases (rs373448317, gnomAD 0.04%). This variant has not been reported in the literature in individuals affected with WDR73-related conditions. ClinVar contains an entry for this variant (Variation ID: 598566). Algorithms developed to predict the effect of missense changes on protein structure and function are either unavailable or do not agree on the potential impact of this missense change (SIFT: "Deleterious"; PolyPhen-2: "Possibly Damaging"; Align-GVGD: "Class C0"). In summary, the available evidence is currently insufficient to determine the role of this variant in disease. Therefore, it has been classified as a Variant of Uncertain Significance.

Ambry Genetics
Classification: Uncertain significance for Inborn genetic diseases. Last evaluated: 2021-06-30. Review status: criteria provided, single submitter. Criteria: Ambry Variant Classification Scheme 2023. Collection method: clinical testing. Allele origin: germline.

Eurofins Ntd Llc (ga)
Classification: Uncertain significance. Last evaluated: 2018-08-27. Review status: criteria provided, single submitter. Criteria: EGL ClinVar v180209 classification definitions. Collection method: clinical testing. Allele origin: germline. Observed: 1 variant allele, 1 heterozygote.

NM_032856.5(WDR73):c.952C>T (p.Arg318Trp)

Gene: WDR73 (WD repeat domain 73; minus strand). Cytogenetic location: 15q25.2.
Variant type: single nucleotide variant.
Coding change: c.952C>T on transcript NM_032856.5 (MANE Select); coding-DNA position 952, C replaced by T.
Protein change: p.Arg318Trp; replaces arginine 318 with tryptophan.
Molecular consequence: missense variant. On other transcripts: non-coding transcript variant (4).
Genome position (GRCh38, 1-based): chr15:84,643,655, G>A on the plus strand (C>T on the coding strand, the complement: WDR73 is on the minus strand). VCF-style: chr15-84643655-G-A. GRCh37 (hg19) VCF-style: chr15-85186886-G-A.
Other names: c.952C>T (NM_032856.2, NM_032856.3); short protein forms R318W.
Identifiers: ClinVar variation 598566 (VCV000598566.11), dbSNP rs373448317, ClinGen allele CA7707182.